The following is an entry in ClinVar:

ClinVar aggregate classification (germline): Likely benign (1 of 4 stars; one submission).

gnomAD v4.1: 49 of 1,613,704 alleles (0.003%); highest among the groups gnomAD compares: African/African-American, 0.061%; no homozygotes.

Submission:

Mayo Clinic Laboratories, Mayo Clinic
Classification: Likely benign. Last evaluated: 2025-03-11. Review status: criteria provided, single submitter. Criteria: ACMG Guidelines, 2015. Collection method: clinical testing. Allele origin: germline. Observed: 1 variant allele.
Comment: BP4, BP7

NM_006759.4(UGP2):c.96G>C (p.Val32=)

Gene: UGP2 (UDP-glucose pyrophosphorylase 2; plus strand). Cytogenetic location: 2p15.
Variant type: single nucleotide variant.
Coding change: c.96G>C on transcript NM_006759.4 (MANE Select); coding-DNA position 96, G replaced by C.
Protein change: p.Val32=; no amino-acid change (valine 32 retained).
Molecular consequence: synonymous variant. On other transcripts: 5 prime UTR variant (3), intron variant (1).
Genome position (GRCh38, 1-based): chr2:63,856,382, G>C. VCF-style: chr2-63856382-G-C. GRCh37 (hg19) VCF-style: chr2-64083516-G-C.
Other names: p.Val32=; c.-434G>C (NM_001377529.1, NM_001377526.1); c.-106+15150G>C (NM_001377527.1); c.63G>C, p.Val21= (NM_001001521.2, NM_001377524.1, NM_001377525.1); c.-353G>C (NM_001377528.1).
Identifiers: ClinVar variation 4684574 (VCV004684574.1).